The following is an entry in ClinVar:

NM_003742.4(ABCB11):c.1789G>C (p.Val597Leu)

Gene: ABCB11 (ATP binding cassette subfamily B member 11; minus strand). Cytogenetic location: 2q31.1.
Variant type: single nucleotide variant.
Coding change: c.1789G>C on transcript NM_003742.4 (MANE Select); coding-DNA position 1789, G replaced by C.
Protein change: p.Val597Leu; replaces valine 597 with leucine.
Molecular consequence: missense variant.
Genome position (GRCh38, 1-based): chr2:168,970,065, C>G on the plus strand (G>C on the coding strand, the complement: ABCB11 is on the minus strand). VCF-style: chr2-168970065-C-G. GRCh37 (hg19) VCF-style: chr2-169826575-C-G.
Other names: short protein forms V597L.
Identifiers: ClinVar variation 4846209 (VCV004846209.1).
Genomic context (GRCh38, chr2:168,970,065, plus strand): 5'-TCCACATGGACCTGTAAAATGGACTAAGACTTCCACAAACCTTACTCAGCACTTCTTGCA[C>G]CATGGCTTCACTCTCATTGTCCAGAGCTGAGGTGGCCATGTCCAAAAGCAGAATCTTGGG-3'
Protein context (NP_003733.2, residues 587-607): SALDNESEAM[Val597Leu]QEVLSKIQHG

ClinVar aggregate classification (germline): Uncertain significance (1 of 4 stars; one submission).

Conditions:
Familial intrahepatic cholestasis. Identifiers: Orphanet 284385, MedGen CN296401, MONDO:0017290.

gnomAD v4.1: 4 of 1,611,932 alleles (0.00025%); highest among the groups gnomAD compares: South Asian, 0.0011%; no homozygotes.

Submission:

Genomenon, Inc
Classification: Uncertain significance for Familial intrahepatic cholestasis. Last evaluated: 2026-04-14. Review status: criteria provided, single submitter. Criteria: Genomenon Sequence Variant Interpretation Standards - Updated. Collection method: curation. Allele origin: germline. Affected: yes.
Comment: ABCB11 p.Val597Leu (c.1789G>C) is a missense variant that changes the amino acid at residue 597 from Valine to Leucine. This variant has been observed in at least one proband with an ABCB11-related disorder (PMID:29238877;36982896;33070363). It is absent or not present at a significant frequency in gnomAD. In silico models predict that this variant is possibly or probably damaging. In conclusion, we classify ABCB11 p.Val597Leu (c.1789G>C) as a variant of uncertain significance.

Literature cited by the submitters: PubMed 29238877; PubMed 36982896; PubMed 33070363.